The following is an entry in ClinVar:

NC_000008.10:g.(?_141034014)_(141034196_?)del

Gene: TRAPPC9 (trafficking protein particle complex subunit 9; minus strand). Cytogenetic location: 8q24.3.
Variant type: Deletion.
Identifiers: ClinVar variation 2426976 (VCV002426976.4).

ClinVar aggregate classification (germline): Pathogenic (1 of 4 stars; one submission).

Submission:

Labcorp Genetics (formerly Invitae), Labcorp
Classification: Pathogenic. Last evaluated: 2022-03-09. Review status: criteria provided, single submitter. Criteria: Invitae Variant Classification Sherloc (09022015). Collection method: clinical testing. Allele origin: germline.
Comment: For these reasons, this variant has been classified as Pathogenic. This variant has not been reported in the literature in individuals affected with TRAPPC9-related conditions. This variant is a gross deletion of the genomic region encompassing exon(s) 18 of the TRAPPC9 gene. This deletion is out-of-frame, and is expected to create a premature termination codon and result in an absent or disrupted protein product. Loss-of-function variants in TRAPPC9 are known to be pathogenic (PMID: 2000476, 20004763, 20004764).

Literature cited by the submitters: PubMed 2000476; PubMed 20004763; PubMed 20004764.